The following is an entry in ClinVar:

ClinVar aggregate classification (germline): Pathogenic (1 of 4 stars; one submission).

Allele frequency attached by ClinVar (database versions not stated): TOPMed below 0.00001.

Submission:

Labcorp Genetics (formerly Invitae), Labcorp
Classification: Pathogenic. Last evaluated: 2023-11-13. Review status: criteria provided, single submitter. Criteria: Invitae Variant Classification Sherloc (09022015). Collection method: clinical testing. Allele origin: germline.
Comment: This sequence change creates a premature translational stop signal (p.Arg1079Glyfs*6) in the SKIV2L gene. It is expected to result in an absent or disrupted protein product. Loss-of-function variants in SKIV2L are known to be pathogenic (PMID: 22444670). This variant is not present in population databases (gnomAD no frequency). This variant has not been reported in the literature in individuals affected with SKIV2L-related conditions. For these reasons, this variant has been classified as Pathogenic.

Literature cited by the submitters: PubMed 22444670.

NM_006929.5(SKIC2):c.3231del (p.Arg1079fs)

Gene: SKIC2 (SKI2 subunit of superkiller complex; plus strand). Cytogenetic location: 6p21.33.
Variant type: Deletion.
Coding change: c.3231del on transcript NM_006929.5 (MANE Select); coding-DNA position 3231, one base deleted (A; older notation c.3231delA).
Protein change: p.Arg1079fs; shifts the reading frame from arginine 1079.
Molecular consequence: frameshift variant.
Genome position (GRCh38, 1-based): chr6:31,968,921, A deleted. VCF-style (leftmost placement, unchanged base first): chr6-31968920-CA-C. GRCh37 (hg19) VCF-style: chr6-31936697-CA-C.
Other names: short protein forms R1079fs.
Identifiers: ClinVar variation 2790732 (VCV002790732.3), dbSNP rs1772989743, ClinGen allele CA1619384152.